The following is an entry in ClinVar:

ClinVar aggregate classification (germline): Uncertain significance. Review status: criteria provided, multiple submitters, no conflicts (2 of 4 stars). 4 submissions from 4 submitters: Uncertain significance (4). Last evaluated 2025-12-22.

Conditions:
Early-infantile DEE. Also called: Early infantile epileptic encephalopathy; Ohtahara syndrome; Early infantile epileptic encephalopathy with suppression bursts. Identifiers: Orphanet 1934, MedGen C0393706, MONDO:0800491.

Allele frequency attached by ClinVar (database versions not stated): gnomAD exomes below 0.00001 and 0.00001; TOPMed below 0.00001; gnomAD 0.00001; ExAC 0.00002; 1000 Genomes Project 30x 0.00016; 1000 Genomes Project 0.00020.
gnomAD v4.1: 7 of 1,614,166 alleles (0.00043%); highest among the groups gnomAD compares: South Asian, 0.0033%; no homozygotes.

Submissions (4):

Labcorp Genetics (formerly Invitae), Labcorp
Classification: Uncertain significance for Early-infantile DEE. Last evaluated: 2025-12-22. Review status: criteria provided, single submitter. Criteria: Invitae Variant Classification Sherloc (09022015). Collection method: clinical testing. Allele origin: germline.
Comment: This sequence change replaces valine, which is neutral and non-polar, with isoleucine, which is neutral and non-polar, at codon 901 of the SCN1A protein (p.Val901Ile). This variant is present in population databases (rs12617205, gnomAD 0.006%). This variant has not been reported in the literature in individuals affected with SCN1A-related conditions. ClinVar contains an entry for this variant (Variation ID: 1207863). Invitae Evidence Modeling of protein sequence and biophysical properties (such as structural, functional, and spatial information, amino acid conservation, physicochemical variation, residue mobility, and thermodynamic stability) indicates that this missense variant is expected to disrupt SCN1A protein function with a positive predictive value of 95%. In summary, the available evidence is currently insufficient to determine the role of this variant in disease. Therefore, it has been classified as a Variant of Uncertain Significance.

CeGaT Center for Human Genetics Tuebingen
Classification: Uncertain significance. Last evaluated: 2024-05-01. Review status: criteria provided, single submitter. Criteria: CeGaT Center For Human Genetics Tuebingen Variant Classification Criteria Version 2. Collection method: clinical testing. Allele origin: germline. Affected: yes. Observed: 2 variant alleles.
Comment: SCN1A: PP2, PP3

Blueprint Genetics
Classification: Uncertain significance. Last evaluated: 2021-07-16. Review status: criteria provided, single submitter. Criteria: ACMG Guidelines, 2015. Collection method: clinical testing. Allele origin: germline.

GeneDx
Classification: Uncertain significance. Last evaluated: 2021-04-13. Review status: criteria provided, single submitter. Criteria: GeneDx Variant Classification Process June 2021. Collection method: clinical testing. Allele origin: germline. Affected: yes.
Comment: Missense variants in this gene are often considered pathogenic (Stenson et al., 2014); In silico analysis supports that this missense variant does not alter protein structure/function; Has not been previously published as pathogenic or benign to our knowledge; A different missense change at this residue (V901D) has been reported as likely pathogenic at GeneDx in association with seizures and delay

NM_001165963.4(SCN1A):c.2701G>A (p.Val901Ile)

Gene: SCN1A (sodium voltage-gated channel alpha subunit 1; minus strand). Cytogenetic location: 2q24.3.
Variant type: single nucleotide variant.
Coding change: c.2701G>A on transcript NM_001165963.4 (MANE Select); coding-DNA position 2701, G replaced by A.
Protein change: p.Val901Ile; replaces valine 901 with isoleucine.
Molecular consequence: missense variant. On other transcripts: non-coding transcript variant (1).
Genome position (GRCh38, 1-based): chr2:166,038,021, C>T on the plus strand (G>A on the coding strand, the complement: SCN1A is on the minus strand). VCF-style: chr2-166038021-C-T. GRCh37 (hg19) VCF-style: chr2-166894531-C-T.
Other names: c.2665G>A, p.Val889Ile (NM_001353954.2, NM_001353955.2); c.2617G>A, p.Val873Ile (NM_001353957.2, NM_001353958.2, NM_001165964.3); c.2614G>A, p.Val872Ile (NM_001353960.2); c.259G>A, p.Val87Ile (NM_001353961.2); c.2668G>A, p.Val890Ile (NM_006920.6, NM_001353949.2, NM_001353950.2 and 2 more transcripts); c.2701G>A, p.Val901Ile (NM_001202435.3, NM_001353948.2); short protein forms V872I, V873I, V87I, V889I, V890I, V901I.
Identifiers: ClinVar variation 1207863 (VCV001207863.30), dbSNP rs12617205, ClinGen allele CA1943055.